The following is an entry in ClinVar:

ClinVar aggregate classification (germline): Uncertain significance (1 of 4 stars; one submission).

Conditions:
Congenital myasthenic syndrome 13 (CMS13). Also called: Myasthenic syndrome, congenital, with tubular aggregates 2; Myasthenic syndrome, congenital, 13, with tubular aggregates. Identifiers: Orphanet 353327, Orphanet 590, MedGen C3553645, MONDO:0013883, OMIM 614750.
DPAGT1-congenital disorder of glycosylation. Also called: DPAGT1-CDG; CDG Ij; CONGENITAL DISORDER OF GLYCOSYLATION, TYPE Ij. Identifiers: Orphanet 86309, MedGen C2931004, MONDO:0011964, OMIM 608093.

gnomAD v4.1: 9 of 1,613,854 alleles (0.00056%); highest among the groups gnomAD compares: South Asian, 0.0022%; no homozygotes.

Submission:

Labcorp Genetics (formerly Invitae), Labcorp
Classification: Uncertain significance for Congenital myasthenic syndrome 13; DPAGT1-congenital disorder of glycosylation. Last evaluated: 2021-10-05. Review status: criteria provided, single submitter. Criteria: Invitae Variant Classification Sherloc (09022015). Collection method: clinical testing. Allele origin: germline.
Comment: This variant has not been reported in the literature in individuals affected with DPAGT1-related conditions. In summary, the available evidence is currently insufficient to determine the role of this variant in disease. Therefore, it has been classified as a Variant of Uncertain Significance. Algorithms developed to predict the effect of missense changes on protein structure and function (SIFT, PolyPhen-2, Align-GVGD) all suggest that this variant is likely to be disruptive. This variant is not present in population databases (ExAC no frequency). This sequence change replaces arginine with histidine at codon 303 of the DPAGT1 protein (p.Arg303His). The arginine residue is highly conserved and there is a small physicochemical difference between arginine and histidine.

NM_001382.4(DPAGT1):c.908G>A (p.Arg303His)

Gene: DPAGT1 (dolichyl-phosphate N-acetylglucosaminephosphotransferase 1; minus strand). Cytogenetic location: 11q23.3.
Variant type: single nucleotide variant.
Coding change: c.908G>A on transcript NM_001382.4 (MANE Select); coding-DNA position 908, G replaced by A.
Protein change: p.Arg303His; replaces arginine 303 with histidine.
Molecular consequence: missense variant.
Genome position (GRCh38, 1-based): chr11:119,097,864, C>T on the plus strand (G>A on the coding strand, the complement: DPAGT1 is on the minus strand). VCF-style: chr11-119097864-C-T. GRCh37 (hg19) VCF-style: chr11-118968574-C-T.
Other names: short protein forms R303H.
Identifiers: ClinVar variation 1509182 (VCV001509182.6), dbSNP rs771322037, ClinGen allele CA229602399.